The following is an entry in ClinVar:

NM_020831.6(MRTFA):c.2782A>C (p.Thr928Pro)

Gene: MRTFA (myocardin related transcription factor A; minus strand). Cytogenetic location: 22q13.1.
Variant type: single nucleotide variant.
Coding change: c.2782A>C on transcript NM_020831.6 (MANE Select); coding-DNA position 2782, A replaced by C.
Protein change: p.Thr928Pro; replaces threonine 928 with proline.
Molecular consequence: missense variant. On other transcripts: 3 prime UTR variant (1).
Genome position (GRCh38, 1-based): chr22:40,411,704, T>G on the plus strand (A>C on the coding strand, the complement: MRTFA is on the minus strand). VCF-style: chr22-40411704-T-G. GRCh37 (hg19) VCF-style: chr22-40807708-T-G.
Other names: c.2482A>C (NM_020831.3); c.2482A>C, p.Thr828Pro (NM_001282660.2); c.2632A>C, p.Thr878Pro (NM_001282661.3); c.*95A>C (NM_001282662.3); c.2587A>C, p.Thr863Pro (NM_001318139.2); short protein forms T928P, T828P, T878P, T863P.
Identifiers: ClinVar variation 3715525 (VCV003715525.3).

ClinVar aggregate classification (germline): Uncertain significance. Review status: criteria provided, multiple submitters, no conflicts (2 of 4 stars). 2 submissions from 2 submitters: Uncertain significance (2). Last evaluated 2025-01-27.

gnomAD v4.1: 60 of 1,587,430 alleles (0.0038%); highest among the groups gnomAD compares: Non-Finnish European, 0.0049%; no homozygotes.

Submissions (2):

Ambry Genetics
Classification: Uncertain significance. Last evaluated: 2025-01-27. Review status: criteria provided, single submitter. Criteria: Ambry Variant Classification Scheme 2023. Collection method: clinical testing. Allele origin: germline.

Labcorp Genetics (formerly Invitae), Labcorp
Classification: Uncertain significance. Last evaluated: 2024-12-26. Review status: criteria provided, single submitter. Criteria: Invitae Variant Classification Sherloc (09022015). Collection method: clinical testing. Allele origin: germline.
Comment: This sequence change replaces threonine, which is neutral and polar, with proline, which is neutral and non-polar, at codon 828 of the MKL1 protein (p.Thr828Pro). This variant is present in population databases (no rsID available, gnomAD 0.004%). This variant has not been reported in the literature in individuals affected with MKL1-related conditions. An algorithm developed to predict the effect of missense changes on protein structure and function outputs the following: PolyPhen-2: "Probably Damaging". The proline amino acid residue is found in multiple mammalian species, which suggests that this missense change does not adversely affect protein function. In summary, the available evidence is currently insufficient to determine the role of this variant in disease. Therefore, it has been classified as a Variant of Uncertain Significance.